The following is an entry in ClinVar:

ClinVar aggregate classification (germline): Uncertain significance (1 of 4 stars; one submission).

Conditions:
Hepatic methionine adenosyltransferase deficiency. Also called: MAT I/III DEFICIENCY; Deficiency of methionine adenosyltransferase; Isolated Persistent Hypermethioninemia; Methionine adenosyltransferase deficiency. Identifiers: Orphanet 168598, MedGen C0268621, MeSH C564683, MONDO:0009607, OMIM 250850.

Submission:

Labcorp Genetics (formerly Invitae), Labcorp
Classification: Uncertain significance for Hepatic methionine adenosyltransferase deficiency. Last evaluated: 2025-08-25. Review status: criteria provided, single submitter. Criteria: Invitae Variant Classification Sherloc (09022015). Collection method: clinical testing. Allele origin: germline.
Comment: This sequence change replaces isoleucine, which is neutral and non-polar, with threonine, which is neutral and polar, at codon 267 of the MAT1A protein (p.Ile267Thr). This variant is not present in population databases (gnomAD no frequency). This variant has not been reported in the literature in individuals affected with MAT1A-related conditions. Invitae Evidence Modeling of protein sequence and biophysical properties (such as structural, functional, and spatial information, amino acid conservation, physicochemical variation, residue mobility, and thermodynamic stability) indicates that this missense variant is expected to disrupt MAT1A protein function with a positive predictive value of 80%. In summary, the available evidence is currently insufficient to determine the role of this variant in disease. Therefore, it has been classified as a Variant of Uncertain Significance.

NM_000429.3(MAT1A):c.800T>C (p.Ile267Thr)

Gene: MAT1A (methionine adenosyltransferase 1A; minus strand). Cytogenetic location: 10q22.3.
Variant type: single nucleotide variant.
Coding change: c.800T>C on transcript NM_000429.3 (MANE Select); coding-DNA position 800, T replaced by C.
Protein change: p.Ile267Thr; replaces isoleucine 267 with threonine.
Molecular consequence: missense variant.
Genome position (GRCh38, 1-based): chr10:80,275,168, A>G on the plus strand (T>C on the coding strand, the complement: MAT1A is on the minus strand). VCF-style: chr10-80275168-A-G. GRCh37 (hg19) VCF-style: chr10-82034924-A-G.
Other names: short protein forms I267T.
Identifiers: ClinVar variation 4761490 (VCV004761490.1).